The following is an entry in ClinVar:

ClinVar aggregate classification (germline): Uncertain significance (1 of 4 stars; one submission).

Submission:

Labcorp Genetics (formerly Invitae), Labcorp
Classification: Uncertain significance. Last evaluated: 2025-11-27. Review status: criteria provided, single submitter. Criteria: Invitae Variant Classification Sherloc (09022015). Collection method: clinical testing. Allele origin: germline.
Comment: This sequence change replaces aspartic acid, which is acidic and polar, with tyrosine, which is neutral and polar, at codon 1194 of the ZSWIM6 protein (p.Asp1194Tyr). This variant is not present in population databases (gnomAD no frequency). This variant has not been reported in the literature in individuals affected with ZSWIM6-related conditions. Invitae Evidence Modeling of protein sequence and biophysical properties (such as structural, functional, and spatial information, amino acid conservation, physicochemical variation, residue mobility, and thermodynamic stability) indicates that this missense variant is not expected to disrupt ZSWIM6 protein function with a negative predictive value of 80%. In summary, the available evidence is currently insufficient to determine the role of this variant in disease. Therefore, it has been classified as a Variant of Uncertain Significance.

NM_020928.2(ZSWIM6):c.3580G>T (p.Asp1194Tyr)

Gene: ZSWIM6 (zinc finger SWIM-type containing 6; plus strand). Cytogenetic location: 5q12.1.
Variant type: single nucleotide variant.
Coding change: c.3580G>T on transcript NM_020928.2 (MANE Select); coding-DNA position 3580, G replaced by T.
Protein change: p.Asp1194Tyr; replaces aspartic acid 1194 with tyrosine.
Molecular consequence: missense variant.
Genome position (GRCh38, 1-based): chr5:61,544,249, G>T. VCF-style: chr5-61544249-G-T. GRCh37 (hg19) VCF-style: chr5-60840076-G-T.
Other names: short protein forms D1194Y.
Identifiers: ClinVar variation 4742903 (VCV004742903.1).